The following is an entry in ClinVar:

ClinVar aggregate classification (germline): Uncertain significance (1 of 4 stars; one submission).

Conditions:
AKR1D1-related disorder. Also called: AKR1D1-related condition.

gnomAD v4.1: 6 of 1,613,974 alleles (0.00037%); highest among the groups gnomAD compares: Non-Finnish European, 0.00051%; no homozygotes.

Submission:

PreventionGenetics, part of Exact Sciences
Classification: Uncertain significance for AKR1D1-related condition. Last evaluated: 2024-11-19. Review status: criteria provided, single submitter. Criteria: ACMG Guidelines, 2015. Collection method: clinical testing. Allele origin: germline.
Comment: The AKR1D1 c.650C>G variant is predicted to result in the amino acid substitution p.Thr217Ser. To our knowledge, this variant has not been reported in the literature or in a large population database (gnomAD), indicating this variant is rare. At this time, the clinical significance of this variant is uncertain due to the absence of conclusive functional and genetic evidence.

NM_005989.4(AKR1D1):c.650C>G (p.Thr217Ser)

Gene: AKR1D1 (aldo-keto reductase family 1 member D1; plus strand). Cytogenetic location: 7q33.
Variant type: single nucleotide variant.
Coding change: c.650C>G on transcript NM_005989.4 (MANE Select); coding-DNA position 650, C replaced by G.
Protein change: p.Thr217Ser; replaces threonine 217 with serine.
Molecular consequence: missense variant.
Genome position (GRCh38, 1-based): chr7:138,106,678, C>G. VCF-style: chr7-138106678-C-G. GRCh37 (hg19) VCF-style: chr7-137791424-C-G.
Other names: c.527C>G, p.Thr176Ser (NM_001190906.2); c.650C>G, p.Thr217Ser (NM_001190907.2); short protein forms T217S, T176S.
Identifiers: ClinVar variation 4998852 (VCV004998852.1).